The following is an entry in ClinVar:

NM_138694.4(PKHD1):c.3762_3763insG (p.Pro1255fs)

Gene: PKHD1 (PKHD1 ciliary IPT domain containing fibrocystin/polyductin; minus strand). Cytogenetic location: 6p12.2.
Variant type: Insertion.
Coding change: c.3762_3763insG on transcript NM_138694.4 (MANE Select); coding-DNA positions 3762 to 3763, G inserted.
Protein change: p.Pro1255fs; shifts the reading frame from proline 1255.
Molecular consequence: frameshift variant.
Genome position: GRCh38 VCF-style: chr6-52026047-G-GC. GRCh37 (hg19) VCF-style: chr6-51890845-G-GC.
Other names: c.3762_3763insG, p.Pro1255fs (NM_170724.3); short protein forms P1255fs.
Identifiers: ClinVar variation 981065 (VCV000981065.1), dbSNP rs1802132538, ClinGen allele CA1139659602.

ClinVar aggregate classification (germline): Likely pathogenic (1 of 4 stars; one submission).

Conditions:
Autosomal recessive polycystic kidney disease (ARPKD). Also called: AR polycystic kidney disease. Identifiers: Orphanet 731, Orphanet 8378, MedGen C0085548, MeSH D017044, MONDO:0009889.

Submission:

Women's Health and Genetics/Laboratory Corporation of America, LabCorp
Classification: Likely pathogenic for Autosomal recessive polycystic kidney disease. Last evaluated: 2020-09-14. Review status: criteria provided, single submitter. Criteria: LabCorp Variant Classification Summary - May 2015. Collection method: clinical testing. Allele origin: germline.
Comment: Variant summary: PKHD1 c.3762_3763insG (p.Pro1255AlafsX42) results in a premature termination codon, predicted to cause a truncation of the encoded protein or absence of the protein due to nonsense mediated decay, which are commonly known mechanisms for disease. Truncations downstream of this position have been classified as pathogenic by our laboratory. The variant was absent in 250650 control chromosomes. c.3762_3763insG has been reported in the literature in at least one individual affected with Polycystic Kidney And Hepatic Disease (e.g. Furu_2003). These data do not allow any conclusion about variant significance. To our knowledge, no experimental evidence demonstrating an impact on protein function has been reported. No clinical diagnostic laboratories have submitted clinical-significance assessments for this variant to ClinVar after 2014. Based on the evidence outlined above, the variant was classified as likely pathogenic.

Literature cited by the submitters: PubMed 12874454.